The following is an entry in ClinVar:

NM_001458.5(FLNC):c.1677-12C>T

Gene: FLNC (filamin C; plus strand). Cytogenetic location: 7q32.1.
Variant type: single nucleotide variant.
Coding change: c.1677-12C>T on transcript NM_001458.5 (MANE Select); 12 bases into the intron before coding-DNA position 1677, C replaced by T.
Molecular consequence: intron variant.
Genome position (GRCh38, 1-based): chr7:128,840,822, C>T. VCF-style: chr7-128840822-C-T. GRCh37 (hg19) VCF-style: chr7-128480876-C-T.
Other names: c.1677-12C>T (NM_001127487.2).
Identifiers: ClinVar variation 1678667 (VCV001678667.8), dbSNP rs763076781, ClinGen allele CA4474454.

ClinVar aggregate classification (germline): Likely benign. Review status: criteria provided, multiple submitters, no conflicts (2 of 4 stars). 3 submissions from 3 submitters: Likely benign (3). Last evaluated 2025-10-18.

Conditions:
Myofibrillar myopathy 5. Also called: Filaminopathy (type); FILAMINOPATHY, AUTOSOMAL DOMINANT. Identifiers: Orphanet 171445, MedGen C1836050, MONDO:0012289, OMIM 609524.
Distal myopathy with posterior leg and anterior hand involvement. Also called: WILLIAMS DISTAL MYOPATHY. Identifiers: Orphanet 63273, MedGen C3279722, MONDO:0013550, OMIM 614065.
Hypertrophic cardiomyopathy 26. Also called: Cardiomyopathy, familial hypertrophic, 26. Identifiers: Orphanet 75249, MedGen C4310749, MONDO:0014883, OMIM 617047.

Allele frequency attached by ClinVar (database versions not stated): gnomAD exomes 0.00002; ExAC 0.00003; gnomAD 0.00004.
gnomAD v4.1: 18 of 1,613,902 alleles (0.0011%); highest among the groups gnomAD compares: Admixed American, 0.022%; no homozygotes.

Submissions (3):

Women's Health and Genetics/Laboratory Corporation of America, LabCorp
Classification: Likely benign. Last evaluated: 2025-10-18. Review status: criteria provided, single submitter. Criteria: LabCorp Variant Classification Summary - May 2015. Collection method: clinical testing. Allele origin: germline.

Labcorp Genetics (formerly Invitae), Labcorp
Classification: Likely benign for Distal myopathy with posterior leg and anterior hand involvement; Myofibrillar myopathy 5; Hypertrophic cardiomyopathy 26. Last evaluated: 2025-09-22. Review status: criteria provided, single submitter. Criteria: Invitae Variant Classification Sherloc (09022015). Collection method: clinical testing. Allele origin: germline.

GeneDx
Classification: Likely benign. Last evaluated: 2021-06-07. Review status: criteria provided, single submitter. Criteria: GeneDx Variant Classification Process June 2021. Collection method: clinical testing. Allele origin: germline. Affected: yes.
Comment: See Variant Classification Assertion Criteria.